The following is an entry in ClinVar:

ClinVar aggregate classification (germline): Uncertain significance (1 of 4 stars; one submission).

Submission:

Ambry Genetics
Classification: Uncertain significance. Last evaluated: 2023-03-14. Review status: criteria provided, single submitter. Criteria: Ambry Variant Classification Scheme 2023. Collection method: clinical testing. Allele origin: germline.
Comment: The p.D1347E variant (also known as c.4041T>G), located in coding exon 4 of the ALPK2 gene, results from a T to G substitution at nucleotide position 4041. The aspartic acid at codon 1347 is replaced by glutamic acid, an amino acid with highly similar properties. This amino acid position is conserved. In addition, this alteration is predicted to be tolerated by in silico analysis. Since supporting evidence is limited at this time, the clinical significance of this alteration remains unclear.

NM_052947.4(ALPK2):c.4041T>G (p.Asp1347Glu)

Genes: ALPK2 (alpha kinase 2; minus strand), LOC126862764 (BRD4-independent group 4 enhancer GRCh37_chr18:56202574-56203773; plus strand). Cytogenetic location: 18q21.31.
Variant type: single nucleotide variant.
Coding change: c.4041T>G on transcript NM_052947.4 (MANE Select); coding-DNA position 4041, T replaced by G.
Protein change: p.Asp1347Glu; replaces aspartic acid 1347 with glutamic acid.
Molecular consequence: missense variant.
Genome position (GRCh38, 1-based): chr18:58,536,146, A>C on the plus strand (T>G on the coding strand, the complement: ALPK2 is on the minus strand). VCF-style: chr18-58536146-A-C. GRCh37 (hg19) VCF-style: chr18-56203378-A-C.
Other names: short protein forms D1347E.
Identifiers: ClinVar variation 2449317 (VCV002449317.2), dbSNP rs2518875529, ClinGen allele CA402564649.
Genomic context (GRCh38, chr18:58,536,146, plus strand): 5'-TTCCTTCCCTCCAGTTTCAGAAGCCGCTGACAGTGAATCTGTGACAGATAACTCCTTTTC[A>C]TCTACAGGGTCCACGGATGACTCCAGGAGTCTGGGTTGGCTGAAACCCCGGGAAGAAAGA-3'
Protein context (NP_443179.3, residues 1337-1357): RLLESSVDPV[Asp1347Glu]EKELSVTDSL